The following is an entry in ClinVar:

NM_173630.4(RTTN):c.5643G>C (p.Leu1881Phe)

Gene: RTTN (rotatin; minus strand). Cytogenetic location: 18q22.2.
Variant type: single nucleotide variant.
Coding change: c.5643G>C on transcript NM_173630.4 (MANE Select); coding-DNA position 5643, G replaced by C.
Protein change: p.Leu1881Phe; replaces leucine 1881 with phenylalanine.
Molecular consequence: missense variant.
Genome position (GRCh38, 1-based): chr18:70,030,880, C>G on the plus strand (G>C on the coding strand, the complement: RTTN is on the minus strand). VCF-style: chr18-70030880-C-G. GRCh37 (hg19) VCF-style: chr18-67698116-C-G.
Other names: c.2907G>C, p.Leu969Phe (NM_001318520.2); short protein forms L1881F, L969F.
Identifiers: ClinVar variation 1372760 (VCV001372760.8), dbSNP rs2145592855, ClinGen allele CA402687465.

ClinVar aggregate classification (germline): Uncertain significance (1 of 4 stars; one submission).

gnomAD v4.1: 2 of 1,610,674 alleles (0.00012%); highest among the groups gnomAD compares: Non-Finnish European, 0.00017%; no homozygotes.

Submission:

Labcorp Genetics (formerly Invitae), Labcorp
Classification: Uncertain significance. Last evaluated: 2022-11-01. Review status: criteria provided, single submitter. Criteria: Invitae Variant Classification Sherloc (09022015). Collection method: clinical testing. Allele origin: germline.
Comment: In summary, the available evidence is currently insufficient to determine the role of this variant in disease. Therefore, it has been classified as a Variant of Uncertain Significance. Advanced modeling of protein sequence and biophysical properties (such as structural, functional, and spatial information, amino acid conservation, physicochemical variation, residue mobility, and thermodynamic stability) has been performed at Invitae for this missense variant, however the output from this modeling did not meet the statistical confidence thresholds required to predict the impact of this variant on RTTN protein function. ClinVar contains an entry for this variant (Variation ID: 1372760). This variant has not been reported in the literature in individuals affected with RTTN-related conditions. This variant is not present in population databases (gnomAD no frequency). This sequence change replaces leucine, which is neutral and non-polar, with phenylalanine, which is neutral and non-polar, at codon 1881 of the RTTN protein (p.Leu1881Phe).